The following is an entry in ClinVar:

NM_002294.3(LAMP2):c.1009G>C (p.Val337Leu)

Gene: LAMP2 (lysosome associated membrane protein 2; minus strand). Cytogenetic location: Xq24.
Variant type: single nucleotide variant.
Coding change: c.1009G>C on transcript NM_002294.3 (MANE Select); coding-DNA position 1009, G replaced by C.
Protein change: p.Val337Leu; replaces valine 337 with leucine.
Molecular consequence: missense variant.
Genome position (GRCh38, 1-based): chrX:120,441,814, C>G on the plus strand (G>C on the coding strand, the complement: LAMP2 is on the minus strand). VCF-style: chrX-120441814-C-G. GRCh37 (hg19) VCF-style: chrX-119575669-C-G.
Other names: c.1009G>C, p.Val337Leu (NM_001122606.1, NM_013995.2); short protein forms V337L.
Identifiers: ClinVar variation 2908830 (VCV002908830.3), dbSNP rs1166678631, ClinGen allele CA414400066.

ClinVar aggregate classification (germline): Uncertain significance (1 of 4 stars; one submission).

Conditions:
Danon disease. Also called: PSEUDOGLYCOGENOSIS II; GSD IIb; LYSOSOMAL GLYCOGEN STORAGE DISEASE WITHOUT ACID MALTASE DEFICIENCY; Glycogen Storage Disease Type IIb; ANTOPOL DISEASE. Identifiers: Orphanet 34587, MedGen C0878677, MONDO:0010281, OMIM 300257.

Allele frequency attached by ClinVar (database versions not stated): gnomAD exomes below 0.00001.
gnomAD v4.1: 1 of 1,206,540 alleles (0.000083%); highest among the groups gnomAD compares: South Asian, 0.0018%; no homozygotes.

Submission:

Labcorp Genetics (formerly Invitae), Labcorp
Classification: Uncertain significance for Danon disease. Last evaluated: 2024-12-22. Review status: criteria provided, single submitter. Criteria: Invitae Variant Classification Sherloc (09022015). Collection method: clinical testing. Allele origin: germline.
Comment: This sequence change replaces valine, which is neutral and non-polar, with leucine, which is neutral and non-polar, at codon 337 of the LAMP2 protein (p.Val337Leu). This variant is present in population databases (no rsID available, gnomAD 0.01%), including at least one homozygous and/or hemizygous individual. This variant has not been reported in the literature in individuals affected with LAMP2-related conditions. ClinVar contains an entry for this variant (Variation ID: 2908830). Invitae Evidence Modeling of protein sequence and biophysical properties (such as structural, functional, and spatial information, amino acid conservation, physicochemical variation, residue mobility, and thermodynamic stability) indicates that this missense variant is not expected to disrupt LAMP2 protein function with a negative predictive value of 80%. In summary, the available evidence is currently insufficient to determine the role of this variant in disease. Therefore, it has been classified as a Variant of Uncertain Significance.